The following is an entry in ClinVar:

NM_000179.3(MSH6):c.896dup (p.Arg300fs)

Gene: MSH6 (mutS homolog 6; plus strand). Cytogenetic location: 2p16.3.
Variant type: Duplication.
Coding change: c.896dup on transcript NM_000179.3 (MANE Select); coding-DNA position 896, one base duplicated (A; older notation c.896dupA).
Protein change: p.Arg300fs; shifts the reading frame from arginine 300.
Molecular consequence: frameshift variant. On other transcripts: 5 prime UTR variant (9), non-coding transcript variant (4), intron variant (1).
Genome position (GRCh38, 1-based): chr2:47,798,879, A duplicated; the last of 3 consecutive A bases (chr2:47,798,877-47,798,879); duplicating any one gives the same sequence. VCF-style (leftmost placement, unchanged base first): chr2-47798876-G-GA. GRCh37 (hg19) VCF-style: chr2-48026015-G-GA.
Other names: c.506dup, p.Arg170fs (NM_001281492.2); c.-11dup (NM_001281493.2, NM_001281494.2, NM_001406811.1 and 6 more transcripts); c.992dup, p.Arg332fs (NM_001406795.1, NM_001406802.1); c.896dup, p.Arg300fs (NM_001406796.1, NM_001406798.1, NM_001406800.1 and 4 more transcripts); c.599dup, p.Arg201fs (NM_001406797.1, NM_001406801.1, NM_001406805.1 and 10 more transcripts); c.371dup, p.Arg125fs (NM_001406799.1, NM_001406806.1, NM_001406807.1); c.818dup, p.Arg274fs (NM_001406804.1); c.902dup, p.Arg302fs (NM_001406813.1); and 2 more; short protein forms R125fs, R170fs, R201fs, R244fs, R274fs, R300fs, R302fs, R332fs.
Identifiers: ClinVar variation 2673688 (VCV002673688.1), dbSNP rs1060502941, ClinGen allele CA2695200511.

ClinVar aggregate classification (germline): Pathogenic (1 of 4 stars; one submission).

Conditions:
Lynch syndrome 5 (LYNCH5). Also called: Colorectal cancer, hereditary nonpolyposis, type 5; Hereditary non-polyposis colorectal cancer, type 5. Identifiers: Orphanet 144, MedGen C1833477, MONDO:0013710, OMIM 614350. Disease mechanism: loss of function.

Submission:

Myriad Genetics, Inc.
Classification: Pathogenic for Lynch syndrome 5. Last evaluated: 2023-08-11. Review status: criteria provided, single submitter. Criteria: Myriad Autosomal Dominant, Autosomal Recessive and X-Linked Classification Criteria (2023). Collection method: clinical testing. Allele origin: unknown.
Comment: This variant is considered pathogenic. This variant creates a frameshift predicted to result in premature protein truncation.